The following is an entry in ClinVar:

NM_000257.4(MYH7):c.2198_2200dup (p.Gly733_Gln734insArg)

Gene: MYH7 (myosin heavy chain 7; minus strand). Cytogenetic location: 14q11.2.
Variant type: Duplication.
Coding change: c.2198_2200dup on transcript NM_000257.4 (MANE Select); coding-DNA positions 2198 to 2200, 3 bases duplicated (GAC; older notation c.2198_2200dupGAC).
Protein change: p.Gly733_Gln734insArg.
Molecular consequence: inframe insertion.
Genome position (GRCh38, 1-based): chr14:23,425,781-23,425,783, GTC duplicated on the plus strand (GAC on the coding strand, the reverse complement: MYH7 is on the minus strand). VCF-style (leftmost placement, unchanged base first): chr14-23425780-T-TGTC. GRCh37 (hg19) VCF-style: chr14-23894989-T-TGTC.
Other names: c.2198_2200dupGAC (NM_000257.2).
Identifiers: ClinVar variation 181360 (VCV000181360.2), dbSNP rs730880886, ClinGen allele CA011944.

ClinVar aggregate classification (germline): Uncertain significance (1 of 4 stars; one submission).

Submission:

GeneDx
Classification: Uncertain significance. Last evaluated: 2017-10-30. Review status: criteria provided, single submitter. Criteria: GeneDx Variant Classification (06012015). Collection method: clinical testing. Allele origin: germline. Affected: yes.
Comment: The c.2198_2200dupGAC variant of uncertain significance in the MYH7 gene has not been published as pathogenic or been reported as benign to our knowledge. This variant has not been observed in large population cohorts (Lek et al., 2016). The c.2198_2200dupGAC variant results in an in-frame insertion of an arginine residue between two amino acid residues that are conserved across species, denoted p.Gly733_Gln734insArg. Furthermore, in silico analysis predicts that c.2198_2200dupGAC is probably damaging to protein structure/function. Nevertheless, this variant lacks observation in a significant number of affected individuals, segregation data, and functional evidence, which would further clarify its pathogenicity.